The following is an entry in ClinVar:

ClinVar aggregate classification (germline): Uncertain significance (1 of 4 stars; one submission).

Submission:

Labcorp Genetics (formerly Invitae), Labcorp
Classification: Uncertain significance. Last evaluated: 2022-09-07. Review status: criteria provided, single submitter. Criteria: Invitae Variant Classification Sherloc (09022015). Collection method: clinical testing. Allele origin: germline.
Comment: In summary, the available evidence is currently insufficient to determine the role of this variant in disease. Therefore, it has been classified as a Variant of Uncertain Significance. Algorithms developed to predict the effect of missense changes on protein structure and function output the following: SIFT: "Deleterious"; PolyPhen-2: "Probably Damaging"; Align-GVGD: "Class C0". The glutamic acid amino acid residue is found in multiple mammalian species, which suggests that this missense change does not adversely affect protein function. ClinVar contains an entry for this variant (Variation ID: 1348193). This variant has not been reported in the literature in individuals affected with SON-related conditions. This variant is not present in population databases (gnomAD no frequency). This sequence change replaces aspartic acid, which is acidic and polar, with glutamic acid, which is acidic and polar, at codon 1080 of the SON protein (p.Asp1080Glu).

NM_138927.4(SON):c.3240T>A (p.Asp1080Glu)

Gene: SON (SON DNA and RNA binding protein; plus strand). Cytogenetic location: 21q22.11.
Variant type: single nucleotide variant.
Coding change: c.3240T>A on transcript NM_138927.4 (MANE Select); coding-DNA position 3240, T replaced by A.
Protein change: p.Asp1080Glu; replaces aspartic acid 1080 with glutamic acid.
Molecular consequence: missense variant. On other transcripts: non-coding transcript variant (1), intron variant (1).
Genome position (GRCh38, 1-based): chr21:33,552,471, T>A. VCF-style: chr21-33552471-T-A. GRCh37 (hg19) VCF-style: chr21-34924777-T-A.
Other names: c.3240T>A, p.Asp1080Glu (NM_001291411.2, NM_032195.3); c.245-4685T>A (NM_001291412.3); short protein forms D1080E.
Identifiers: ClinVar variation 1348193 (VCV001348193.8), dbSNP rs769423639, ClinGen allele CA410159776.